The following is an entry in ClinVar:

ClinVar aggregate classification (germline): Uncertain significance. Review status: criteria provided, multiple submitters, no conflicts (2 of 4 stars). 2 submissions from 2 submitters: Uncertain significance (2). Last evaluated 2025-09-26.

Conditions:
Inborn genetic diseases. Identifiers: MedGen C0950123, MeSH D030342.

Allele frequency attached by ClinVar (database versions not stated): gnomAD exomes below 0.00001.

Submissions (2):

Ambry Genetics
Classification: Uncertain significance for Inborn genetic diseases. Last evaluated: 2025-09-26. Review status: criteria provided, single submitter. Criteria: Ambry Variant Classification Scheme 2023. Collection method: clinical testing. Allele origin: germline.
Comment: The p.L1367P variant (also known as c.4100T>C), located in coding exon 1 of the SAMD9L gene, results from a T to C substitution at nucleotide position 4100. The leucine at codon 1367 is replaced by proline, an amino acid with similar properties. This amino acid position is conserved. In addition, the in silico prediction for this alteration is inconclusive. Based on the available evidence, the clinical significance of this variant remains unclear.

Labcorp Genetics (formerly Invitae), Labcorp
Classification: Uncertain significance. Last evaluated: 2023-05-20. Review status: criteria provided, single submitter. Criteria: Invitae Variant Classification Sherloc (09022015). Collection method: clinical testing. Allele origin: germline.
Comment: This variant has not been reported in the literature in individuals affected with SAMD9L-related conditions. This variant is present in population databases (no rsID available, gnomAD 0.0009%). This sequence change replaces leucine, which is neutral and non-polar, with proline, which is neutral and non-polar, at codon 1367 of the SAMD9L protein (p.Leu1367Pro). Advanced modeling of protein sequence and biophysical properties (such as structural, functional, and spatial information, amino acid conservation, physicochemical variation, residue mobility, and thermodynamic stability) performed at Invitae indicates that this missense variant is expected to disrupt SAMD9L protein function. In summary, the available evidence is currently insufficient to determine the role of this variant in disease. Therefore, it has been classified as a Variant of Uncertain Significance.

NM_152703.5(SAMD9L):c.4100T>C (p.Leu1367Pro)

Gene: SAMD9L (sterile alpha motif domain containing 9 like; minus strand). Cytogenetic location: 7q21.2.
Variant type: single nucleotide variant.
Coding change: c.4100T>C on transcript NM_152703.5 (MANE Select); coding-DNA position 4100, T replaced by C.
Protein change: p.Leu1367Pro; replaces leucine 1367 with proline.
Molecular consequence: missense variant.
Genome position (GRCh38, 1-based): chr7:93,131,872, A>G on the plus strand (T>C on the coding strand, the complement: SAMD9L is on the minus strand). VCF-style: chr7-93131872-A-G. GRCh37 (hg19) VCF-style: chr7-92761185-A-G.
Other names: c.4100T>C, p.Leu1367Pro (NM_001303496.3, NM_001303497.3, NM_001303498.3 and 5 more transcripts); c.4100T>C (NM_152703.2); short protein forms L1367P.
Identifiers: ClinVar variation 3011693 (VCV003011693.4), dbSNP rs1189969453, ClinGen allele CA368177160.